The following is an entry in ClinVar:

NM_001128205.2(SULF1):c.1630C>T (p.Arg544Cys)

Gene: SULF1 (sulfatase 1; plus strand). Cytogenetic location: 8q13.3.
Variant type: single nucleotide variant.
Coding change: c.1630C>T on transcript NM_001128205.2 (MANE Select); coding-DNA position 1630, C replaced by T.
Protein change: p.Arg544Cys; replaces arginine 544 with cysteine.
Molecular consequence: missense variant. On other transcripts: non-coding transcript variant (3).
Genome position (GRCh38, 1-based): chr8:69,623,977, C>T. VCF-style: chr8-69623977-C-T. GRCh37 (hg19) VCF-style: chr8-70536212-C-T.
Other names: c.1630C>T, p.Arg544Cys (NM_001128204.2, NM_001128206.2, NM_001412828.1 and 10 more transcripts); c.1501C>T, p.Arg501Cys (NM_001412832.1, NM_001412838.1, NM_001412839.1 and 1 more transcripts); c.1573C>T, p.Arg525Cys (NM_001412836.1, NM_001412837.1); c.1444C>T, p.Arg482Cys (NM_001412841.1, NM_001412842.1); c.1030C>T, p.Arg344Cys (NM_001412844.1, NM_001412845.1); c.-162C>T (NM_001412846.1); short protein forms R344C, R501C, R482C, R525C, R544C.
Identifiers: ClinVar variation 1978934 (VCV001978934.4), dbSNP rs1358190557, ClinGen allele CA371229571.
Genomic context (GRCh38, chr8:69,623,977, plus strand): 5'-GTAATGTATCTTCCCTTACTTCTAGAGTACAAGCCCAGATTTGTCCATACTCGGCAGACA[C>T]GTTCCTTGTCCGTCGAATTTGAAGGTGAAATATATGACATAAATCTGGAAGAAGAAGAAG-3'
Protein context (NP_001121677.1, residues 534-554): KPRFVHTRQT[Arg544Cys]SLSVEFEGEI

ClinVar aggregate classification (germline): Uncertain significance (1 of 4 stars; one submission).

Allele frequency attached by ClinVar (database versions not stated): TOPMed below 0.00001.
gnomAD v4.1: 6 of 1,614,110 alleles (0.00037%); highest among the groups gnomAD compares: Non-Finnish European, 0.00042%; no homozygotes.

Submission:

Labcorp Genetics (formerly Invitae), Labcorp
Classification: Uncertain significance. Last evaluated: 2025-03-17. Review status: criteria provided, single submitter. Criteria: Invitae Variant Classification Sherloc (09022015). Collection method: clinical testing. Allele origin: germline.
Comment: This sequence change replaces arginine, which is basic and polar, with cysteine, which is neutral and slightly polar, at codon 544 of the SULF1 protein (p.Arg544Cys). This variant is not present in population databases (gnomAD no frequency). This variant has not been reported in the literature in individuals affected with SULF1-related conditions. ClinVar contains an entry for this variant (Variation ID: 1978934). An algorithm developed to predict the effect of missense changes on protein structure and function (PolyPhen-2) suggests that this variant is likely to be disruptive. In summary, the available evidence is currently insufficient to determine the role of this variant in disease. Therefore, it has been classified as a Variant of Uncertain Significance.